The following is an entry in ClinVar:

ClinVar aggregate classification (germline): Conflicting classifications of pathogenicity. Review status: criteria provided, conflicting classifications (1 of 4 stars). 3 submissions from 3 submitters: Likely pathogenic (1); Uncertain significance (1). 1 of the submissions does not count toward it. Last evaluated 2023-03-14.

Conditions:
Inborn genetic diseases. Identifiers: MedGen C0950123, MeSH D030342.
Autosomal recessive cerebellar ataxia-saccadic intrusion syndrome. Also called: VPS13D Movement Disorder; SPINOCEREBELLAR ATAXIA 24. Identifiers: Orphanet 95434, MedGen C1846492, MONDO:0011811, OMIM 607317.

Allele frequency attached by ClinVar (database versions not stated): gnomAD exomes below 0.00001.
gnomAD v4.1: 2 of 1,613,970 alleles (0.00012%); highest among the groups gnomAD compares: Non-Finnish European, 0.00017%; no homozygotes.

Submissions (3):

Ambry Genetics
Classification: Uncertain significance for Inborn genetic diseases. Last evaluated: 2023-03-14. Review status: criteria provided, single submitter. Criteria: Ambry Variant Classification Scheme 2023. Collection method: clinical testing. Allele origin: germline.

GeneDx
Classification: Likely pathogenic. Last evaluated: 2022-06-02. Review status: criteria provided, single submitter. Criteria: GeneDx Variant Classification Process June 2021. Collection method: clinical testing. Allele origin: germline. Affected: yes.
Comment: Not observed at significant frequency in large population cohorts (gnomAD); In silico analysis supports that this missense variant has a deleterious effect on protein structure/function; This variant is associated with the following publications: (PMID: 33891012, 29518281)

OMIM
Classification: Pathogenic for SPINOCEREBELLAR ATAXIA, AUTOSOMAL RECESSIVE 4. Last evaluated: 2018-09-17. Review status: no assertion criteria provided. Collection method: literature only. Allele origin: germline. Not counted in ClinVar's aggregate classification.

Literature cited by the submitters: PubMed 29518281 (cited by Ambry Genetics and OMIM).

NM_015378.4(VPS13D):c.12683G>A (p.Arg4228Gln)

Gene: VPS13D (vacuolar protein sorting 13 homolog D; plus strand). Cytogenetic location: 1p36.22.
Variant type: single nucleotide variant.
Coding change: c.12683G>A on transcript NM_015378.4 (MANE Select); coding-DNA position 12683, G replaced by A.
Protein change: p.Arg4228Gln; replaces arginine 4228 with glutamine.
Molecular consequence: missense variant.
Genome position (GRCh38, 1-based): chr1:12,497,520, G>A. VCF-style: chr1-12497520-G-A. GRCh37 (hg19) VCF-style: chr1-12557574-G-A.
Other names: c.12683G>A, p.Arg4228Gln (LRG_1213t1); c.12608G>A, p.Arg4203Gln (NM_018156.4); c.12683G>A (NM_015378.2); short protein forms R4228Q, R4203Q.
Identifiers: ClinVar variation 561204 (VCV000561204.5), dbSNP rs1557478316, ClinGen allele CA338493328.